The following is an entry in ClinVar:

ClinVar aggregate classification (germline): Uncertain significance (1 of 4 stars; one submission).

Conditions:
Birt-Hogg-Dube syndrome. Also called: Birt Hogg Dubé syndrome. Identifiers: Orphanet 122, MedGen C0346010, MONDO:0800444.

Submission:

Labcorp Genetics (formerly Invitae), Labcorp
Classification: Uncertain significance for Birt-Hogg-Dube syndrome. Last evaluated: 2021-08-22. Review status: criteria provided, single submitter. Criteria: Invitae Variant Classification Sherloc (09022015). Collection method: clinical testing. Allele origin: germline.
Comment: In summary, the available evidence is currently insufficient to determine the role of this variant in disease. Therefore, it has been classified as a Variant of Uncertain Significance. Experimental studies and prediction algorithms are not available or were not evaluated, and the functional significance of this variant is currently unknown. This variant has not been reported in the literature in individuals affected with FLCN-related conditions. This variant is not present in population databases (ExAC no frequency). This variant, c.1142_1144del, results in the deletion of 1 amino acid(s) of the FLCN protein (p.Val381del), but otherwise preserves the integrity of the reading frame.

NM_144997.7(FLCN):c.1142_1144del (p.Val381del)

Gene: FLCN (folliculin; minus strand). Cytogenetic location: 17p11.2.
Variant type: Deletion.
Coding change: c.1142_1144del on transcript NM_144997.7 (MANE Select); coding-DNA positions 1142 to 1144, 3 bases deleted (TGG; older notation c.1142_1144delTGG).
Protein change: p.Val381del; deletes valine 381.
Molecular consequence: inframe deletion.
Genome position (GRCh38, 1-based): chr17:17,217,101-17,217,103, CCA deleted on the plus strand (TGG on the coding strand, the reverse complement: FLCN is on the minus strand); deleting any 3 consecutive bases within chr17:17,217,101-17,217,104 gives the same sequence; the c. name uses the placement nearest the transcript's 3' end. VCF-style (leftmost placement, unchanged base first): chr17-17217100-TCCA-T. GRCh37 (hg19) VCF-style: chr17-17120414-TCCA-T.
Other names: c.1196_1198del, p.Val399del (NM_001353229.2); c.1142_1144del, p.Val381del (NM_001353230.2, NM_001353231.2); short protein forms V399del, V381del.
Identifiers: ClinVar variation 1462596 (VCV001462596.6), dbSNP rs2144869403, ClinGen allele CA2573153080.